The following is an entry in ClinVar:

NM_006303.4(AIMP2):c.74A>G (p.Tyr25Cys)

Gene: AIMP2 (aminoacyl tRNA synthetase complex interacting multifunctional protein 2; plus strand). Cytogenetic location: 7p22.1.
Variant type: single nucleotide variant.
Coding change: c.74A>G on transcript NM_006303.4 (MANE Select); coding-DNA position 74, A replaced by G.
Protein change: p.Tyr25Cys; replaces tyrosine 25 with cysteine.
Molecular consequence: missense variant. On other transcripts: 5 prime UTR variant (1), intron variant (3).
Genome position (GRCh38, 1-based): chr7:6,009,437, A>G. VCF-style: chr7-6009437-A-G. GRCh37 (hg19) VCF-style: chr7-6049068-A-G.
Other names: c.74A>G, p.Tyr25Cys (NM_001326607.2); c.-247A>G (NM_001326609.2); c.-238+59A>G (NM_001326611.3); c.-251+59A>G (NM_001326610.2); c.15+59A>G (NM_001326606.2); short protein forms Y25C.
Identifiers: ClinVar variation 982311 (VCV000982311.2), dbSNP rs147658637, ClinGen allele CA366745404.

ClinVar aggregate classification (germline): Likely pathogenic (1 of 4 stars; one submission).

Conditions:
Leukodystrophy, hypomyelinating, 17. Identifiers: MedGen C4693912, MONDO:0054817, OMIM 618006.

gnomAD v4.1: 1 of 1,611,018 alleles (0.000062%); highest among the groups gnomAD compares: East Asian, 0.0022%; no homozygotes.

Submission:

Department of Medical Genetics, Sanjay Gandhi Post Graduate Institute of Medical Sciences
Classification: Likely pathogenic for Leukodystrophy, hypomyelinating, 17. Review status: criteria provided, single submitter. Criteria: ACMG Guidelines, 2015. Collection method: research. Allele origin: germline. Inheritance: Autosomal recessive inheritance. Affected: yes. Observed: 1 homozygote.
Comment: Analysis of the exome sequencing data showed a novel homozygous sequence variant in AIMP2 gene. This variant is predicted as Disease Causing by MutationTaster. This variant is not found in ExAC and 1000G databases.